The following is an entry in ClinVar:

ClinVar aggregate classification (germline): Uncertain significance (1 of 4 stars; one submission).

Conditions:
Oculofaciocardiodental syndrome (MCOPS2). Identifiers: Orphanet 2712, MedGen C1846265, MONDO:0010261, OMIM 300166.

Allele frequency attached by ClinVar (database versions not stated): ExAC 0.00001; gnomAD exomes 0.00001 and 0.00002; TOPMed 0.00001; gnomAD 0.00002.
gnomAD v4.1: 18 of 1,210,115 alleles (0.0015%); highest among the groups gnomAD compares: Non-Finnish European, 0.0019%; no homozygotes.

Submission:

Labcorp Genetics (formerly Invitae), Labcorp
Classification: Uncertain significance for Oculofaciocardiodental syndrome. Last evaluated: 2022-06-09. Review status: criteria provided, single submitter. Criteria: Invitae Variant Classification Sherloc (09022015). Collection method: clinical testing. Allele origin: germline.
Comment: In summary, the available evidence is currently insufficient to determine the role of this variant in disease. Therefore, it has been classified as a Variant of Uncertain Significance. Algorithms developed to predict the effect of missense changes on protein structure and function (SIFT, PolyPhen-2, Align-GVGD) all suggest that this variant is likely to be disruptive. This variant has not been reported in the literature in individuals affected with BCOR-related conditions. This variant is present in population databases (rs753661121, gnomAD 0.008%). This sequence change replaces proline, which is neutral and non-polar, with arginine, which is basic and polar, at codon 930 of the BCOR protein (p.Pro930Arg).

NM_001123385.2(BCOR):c.2789C>G (p.Pro930Arg)

Gene: BCOR (BCL6 corepressor; minus strand). Cytogenetic location: Xp11.4.
Variant type: single nucleotide variant.
Coding change: c.2789C>G on transcript NM_001123385.2 (MANE Select); coding-DNA position 2789, C replaced by G.
Protein change: p.Pro930Arg; replaces proline 930 with arginine.
Molecular consequence: missense variant.
Genome position (GRCh38, 1-based): chrX:40,072,557, G>C on the plus strand (C>G on the coding strand, the complement: BCOR is on the minus strand). VCF-style: chrX-40072557-G-C. GRCh37 (hg19) VCF-style: chrX-39931810-G-C.
Other names: c.2789C>G, p.Pro930Arg (NM_001123383.2, NM_001123384.2, NM_017745.6); short protein forms P930R.
Identifiers: ClinVar variation 1415200 (VCV001415200.6), dbSNP rs753661121, ClinGen allele CA10386747.